The following is an entry in ClinVar:

ClinVar aggregate classification (germline): Pathogenic (1 of 4 stars; one submission).

Conditions:
Cornelia de Lange syndrome 1 (CDLS1). Also called: TYPUS DEGENERATIVUS AMSTELODAMENSIS; Brachmann de Lange syndrome; NIPBL-Related Cornelia de Lange Syndrome. Identifiers: Orphanet 199, MedGen C4551851, MONDO:0007387, OMIM 122470.

Submission:

Labcorp Genetics (formerly Invitae), Labcorp
Classification: Pathogenic for Cornelia de Lange syndrome 1. Last evaluated: 2017-12-13. Review status: criteria provided, single submitter. Criteria: Invitae Variant Classification Sherloc (09022015). Collection method: clinical testing. Allele origin: germline.
Comment: For these reasons, this variant has been classified as Pathogenic. Loss-of-function variants in NIPBL are known to be pathogenic (PMID: 24038889). This variant has not been reported in the literature in individuals with NIPBL-related disease. This variant is not present in population databases (ExAC no frequency). This sequence change creates a premature translational stop signal (p.Gln653Thrfs*3) in the NIPBL gene. It is expected to result in an absent or disrupted protein product.

Literature cited by the submitters: PubMed 24038889.

NM_133433.4(NIPBL):c.1956dup (p.Gln653fs)

Gene: NIPBL (NIPBL cohesin loading factor; plus strand). Cytogenetic location: 5p13.2.
Variant type: Duplication.
Coding change: c.1956dup on transcript NM_133433.4 (MANE Select); coding-DNA position 1956, one base duplicated (A; older notation c.1956dupA).
Protein change: p.Gln653fs; shifts the reading frame from glutamine 653.
Molecular consequence: frameshift variant.
Genome position (GRCh38, 1-based): chr5:36,985,136, A duplicated; the last of 3 consecutive A bases (chr5:36,985,134-36,985,136); duplicating any one gives the same sequence. VCF-style (leftmost placement, unchanged base first): chr5-36985133-T-TA. GRCh37 (hg19) VCF-style: chr5-36985235-T-TA.
Other names: c.1956dup, p.Gln653fs (NM_015384.5); c.1956dupA (NM_133433.3); short protein forms Q653fs.
Identifiers: ClinVar variation 543049 (VCV000543049.6), dbSNP rs1554017175, ClinGen allele CA658796512.